The following is an entry in ClinVar:

NM_001734.5(C1S):c.931T>C (p.Tyr311His)

Gene: C1S (complement C1s; plus strand). Cytogenetic location: 12p13.31.
Variant type: single nucleotide variant.
Coding change: c.931T>C on transcript NM_001734.5 (MANE Select); coding-DNA position 931, T replaced by C.
Protein change: p.Tyr311His; replaces tyrosine 311 with histidine.
Molecular consequence: missense variant.
Genome position (GRCh38, 1-based): chr12:7,066,577, T>C. VCF-style: chr12-7066577-T-C. GRCh37 (hg19) VCF-style: chr12-7173881-T-C.
Other names: c.430T>C, p.Tyr144His (NM_001346850.2); c.931T>C, p.Tyr311His (NM_201442.4); short protein forms Y311H, Y144H.
Identifiers: ClinVar variation 4737632 (VCV004737632.1).

ClinVar aggregate classification (germline): Uncertain significance (1 of 4 stars; one submission).

Submission:

Labcorp Genetics (formerly Invitae), Labcorp
Classification: Uncertain significance. Last evaluated: 2025-12-01. Review status: criteria provided, single submitter. Criteria: Invitae Variant Classification Sherloc (09022015). Collection method: clinical testing. Allele origin: germline.
Comment: This sequence change replaces tyrosine, which is neutral and polar, with histidine, which is basic and polar, at codon 311 of the C1S protein (p.Tyr311His). This variant is not present in population databases (gnomAD no frequency). This variant has not been reported in the literature in individuals affected with C1S-related conditions. Invitae Evidence Modeling of protein sequence and biophysical properties (such as structural, functional, and spatial information, amino acid conservation, physicochemical variation, residue mobility, and thermodynamic stability) has been performed for this missense variant. However, the output from this modeling did not meet the statistical confidence thresholds required to predict the impact of this variant on C1S protein function. In summary, the available evidence is currently insufficient to determine the role of this variant in disease. Therefore, it has been classified as a Variant of Uncertain Significance.